The following is an entry in ClinVar:

NM_001197104.2(KMT2A):c.3410G>A (p.Arg1137Lys)

Gene: KMT2A (lysine methyltransferase 2A; plus strand). Cytogenetic location: 11q23.3.
Variant type: single nucleotide variant.
Coding change: c.3410G>A on transcript NM_001197104.2 (MANE Select); coding-DNA position 3410, G replaced by A.
Protein change: p.Arg1137Lys; replaces arginine 1137 with lysine.
Molecular consequence: missense variant.
Genome position (GRCh38, 1-based): chr11:118,478,042, G>A. VCF-style: chr11-118478042-G-A. GRCh37 (hg19) VCF-style: chr11-118348757-G-A.
Other names: c.3410G>A, p.Arg1137Lys (NM_005933.4); short protein forms R1137K.
Identifiers: ClinVar variation 1409126 (VCV001409126.6), dbSNP rs1950069524, ClinGen allele CA382824559.

ClinVar aggregate classification (germline): Uncertain significance (1 of 4 stars; one submission).

Submission:

Labcorp Genetics (formerly Invitae), Labcorp
Classification: Uncertain significance. Last evaluated: 2022-11-22. Review status: criteria provided, single submitter. Criteria: Invitae Variant Classification Sherloc (09022015). Collection method: clinical testing. Allele origin: germline.
Comment: This sequence change replaces arginine, which is basic and polar, with lysine, which is basic and polar, at codon 1137 of the KMT2A protein (p.Arg1137Lys). This variant is not present in population databases (gnomAD no frequency). This variant has not been reported in the literature in individuals affected with KMT2A-related conditions. ClinVar contains an entry for this variant (Variation ID: 1409126). In summary, the available evidence is currently insufficient to determine the role of this variant in disease. Therefore, it has been classified as a Variant of Uncertain Significance. Advanced modeling of protein sequence and biophysical properties (such as structural, functional, and spatial information, amino acid conservation, physicochemical variation, residue mobility, and thermodynamic stability) has been performed at Invitae for this missense variant, however the output from this modeling did not meet the statistical confidence thresholds required to predict the impact of this variant on KMT2A protein function.